The following is an entry in ClinVar:

ClinVar aggregate classification (germline): Conflicting classifications of pathogenicity. Review status: criteria provided, conflicting classifications (1 of 4 stars). 2 submissions from 2 submitters: Uncertain significance (1); Likely benign (1). Last evaluated 2025-07-30.

Allele frequency attached by ClinVar (database versions not stated): gnomAD 0.00001.
gnomAD v4.1: 6 of 1,319,840 alleles (0.00045%); highest among the groups gnomAD compares: Non-Finnish European, 0.00048%; no homozygotes.

Submissions (2):

Labcorp Genetics (formerly Invitae), Labcorp
Classification: Uncertain significance. Last evaluated: 2025-07-30. Review status: criteria provided, single submitter. Criteria: Invitae Variant Classification Sherloc (09022015). Collection method: clinical testing. Allele origin: germline.
Comment: This sequence change replaces glycine, which is neutral and non-polar, with alanine, which is neutral and non-polar, at codon 333 of the ARID1B protein (p.Gly333Ala). The frequency data for this variant in the population databases is considered unreliable, as metrics indicate insufficient coverage at this position in the gnomAD database. This variant has not been reported in the literature in individuals affected with ARID1B-related conditions. ClinVar contains an entry for this variant (Variation ID: 3025317). Invitae Evidence Modeling of protein sequence and biophysical properties (such as structural, functional, and spatial information, amino acid conservation, physicochemical variation, residue mobility, and thermodynamic stability) indicates that this missense variant is not expected to disrupt ARID1B protein function with a negative predictive value of 95%. In summary, the available evidence is currently insufficient to determine the role of this variant in disease. Therefore, it has been classified as a Variant of Uncertain Significance.

CeGaT Center for Human Genetics Tuebingen
Classification: Likely benign. Last evaluated: 2024-09-01. Review status: criteria provided, single submitter. Criteria: CeGaT Center For Human Genetics Tuebingen Variant Classification Criteria Version 2. Collection method: clinical testing. Allele origin: germline. Affected: yes. Observed: 3 variant alleles.
Comment: ARID1B: BP1

NM_001374828.1(ARID1B):c.1247G>C (p.Gly416Ala)

Gene: ARID1B (AT-rich interaction domain 1B; plus strand). Cytogenetic location: 6q25.3.
Variant type: single nucleotide variant.
Coding change: c.1247G>C on transcript NM_001374828.1 (MANE Select); coding-DNA position 1247, G replaced by C.
Protein change: p.Gly416Ala; replaces glycine 416 with alanine.
Molecular consequence: missense variant.
Genome position (GRCh38, 1-based): chr6:156,778,927, G>C. VCF-style: chr6-156778927-G-C. GRCh37 (hg19) VCF-style: chr6-157100061-G-C.
Other names: c.998G>C, p.Gly333Ala (NM_001346813.1, NM_020732.3); c.1247G>C, p.Gly416Ala (NM_001371656.1, NM_001374820.1, NM_017519.3); c.824G>C, p.Gly275Ala (NM_175863.2); short protein forms G275A, G333A, G416A.
Identifiers: ClinVar variation 3025317 (VCV003025317.23), dbSNP rs1400909786, ClinGen allele CA366383725.